The following is an entry in ClinVar:

NM_007294.4(BRCA1):c.5193+2T>G

Gene: BRCA1 (BRCA1 DNA repair associated; minus strand). Cytogenetic location: 17q21.31.
Variant type: single nucleotide variant.
Coding change: c.5193+2T>G on transcript NM_007294.4 (MANE Select); the canonical splice donor site of the intron after coding-DNA position 5193, T replaced by G.
Molecular consequence: splice donor variant.
Genome position (GRCh38, 1-based): chr17:43,063,331, A>C on the plus strand (T>G on the coding strand, the complement: BRCA1 is on the minus strand). VCF-style: chr17-43063331-A-C. GRCh37 (hg19) VCF-style: chr17-41215348-A-C.
Other names: c.5193+2T>G (NM_001407605.1, NM_001407593.1, NM_001407684.1 and 7 more transcripts); c.4980+2T>G (NM_001407902.1, NM_001407897.1, NM_001407908.1 and 12 more transcripts); c.1803+2T>G (NM_001408414.1, NM_001408415.1, NM_001408412.1 and 2 more transcripts); c.1806+2T>G (NM_001408411.1); c.5115+2T>G (NM_001407655.1, NM_001407654.1, NM_001407652.1 and 1 more transcripts); c.4854+2T>G (NM_001407956.1, NM_001407957.1, NM_001407958.1); c.4860+2T>G (NM_001407947.1, NM_001407949.1, NM_001407948.1 and 1 more transcripts); c.957+2T>G (NM_001408514.1); and 72 more.
Identifiers: ClinVar variation 267579 (VCV000267579.7), dbSNP rs886040915, ClinGen allele CA10591151.

ClinVar aggregate classification (germline): Pathogenic (1 of 4 stars; one submission).

Conditions:
Breast-ovarian cancer, familial, susceptibility to, 1 (BROVCA1). Also called: BRCA1 Hereditary Breast and Ovarian Cancer; OVARIAN CANCER, SUSCEPTIBILITY TO. Identifiers: Orphanet 145, MedGen C2676676, MONDO:0011450, OMIM 604370. Disease mechanism: loss of function.

Submissions (2):

Consortium of Investigators of Modifiers of BRCA1/2 (CIMBA), c/o University of Cambridge
Classification: Pathogenic for Breast-ovarian cancer, familial, susceptibility to, 1. Last evaluated: 2015-10-02. Review status: criteria provided, single submitter. Criteria: CIMBA Mutation Classification guidelines May 2016. Collection method: clinical testing. Allele origin: germline.

Brotman Baty Institute, University of Washington
No classification provided (evidence only). Condition: Breast-ovarian cancer, familial 1. Review status: no classification provided. Collection method: in vitro. Allele origin: not applicable. Functional consequence: functionally_abnormal. Not counted in ClinVar's aggregate classification.
ClinVar note: "not provided" was previously submitted as the classification for the variant. However, the classification appeared to be based only on an observation of functional data so it was converted to no classification on 2025-07-30.